The following is an entry in ClinVar:

NM_005898.5(CAPRIN1):c.76A>G (p.Ser26Gly)

Genes: CAPRIN1 (cell cycle associated protein 1; plus strand), LOC101929918 (uncharacterized LOC101929918; minus strand). Cytogenetic location: 11p13.
Variant type: single nucleotide variant.
Coding change: c.76A>G on transcript NM_005898.5 (MANE Select); coding-DNA position 76, A replaced by G.
Protein change: p.Ser26Gly; replaces serine 26 with glycine.
Molecular consequence: missense variant.
Genome position (GRCh38, 1-based): chr11:34,052,496, A>G. VCF-style: chr11-34052496-A-G. GRCh37 (hg19) VCF-style: chr11-34074043-A-G.
Other names: c.76A>G, p.Ser26Gly (NM_203364.3); short protein forms S26G.
Identifiers: ClinVar variation 4822446 (VCV004822446.4).
Genomic context (GRCh38, chr11:34,052,496, plus strand): 5'-AGCCACAGCGGGAGCGGCAGCAAGTCGTCCGGACCGCCACCGCCGTCGGGTTCCTCCGGG[A>G]GTGAGGCGGCCGCGGGAGCCGGGGCCGCCGCGCCGGCTTCTCAGCACCCCGCAACCGGCA-3'
Protein context (NP_005889.3, residues 16-36): GPPPPSGSSG[Ser26Gly]EAAAGAGAAA

ClinVar aggregate classification (germline): Uncertain significance (1 of 4 stars; one submission).

Submission:

CeGaT Center for Human Genetics Tuebingen
Classification: Uncertain significance. Last evaluated: 2026-03-01. Review status: criteria provided, single submitter. Criteria: CeGaT Center For Human Genetics Tuebingen Variant Classification Criteria Version 2. Collection method: clinical testing. Allele origin: germline. Affected: yes. Observed: 1 variant allele.
Comment: CAPRIN1: PM2